The following is an entry in ClinVar:

NM_000059.4(BRCA2):c.10192C>A (p.Gln3398Lys)

Gene: BRCA2 (BRCA2 DNA repair associated; plus strand). Cytogenetic location: 13q13.1.
Variant type: single nucleotide variant.
Coding change: c.10192C>A on transcript NM_000059.4 (MANE Select); coding-DNA position 10192, C replaced by A.
Protein change: p.Gln3398Lys; replaces glutamine 3398 with lysine.
Molecular consequence: missense variant.
Genome position (GRCh38, 1-based): chr13:32,398,705, C>A. VCF-style: chr13-32398705-C-A. GRCh37 (hg19) VCF-style: chr13-32972842-C-A.
Other names: short protein forms Q3398K.
Identifiers: ClinVar variation 818261 (VCV000818261.5), dbSNP rs1566261530, ClinGen allele CA387768365.

ClinVar aggregate classification (germline): Uncertain significance. Review status: criteria provided, multiple submitters, no conflicts (2 of 4 stars). 2 submissions from 2 submitters: Uncertain significance (2). Last evaluated 2024-05-09.

Conditions:
Hereditary cancer-predisposing syndrome. Also called: Tumor predisposition; Hereditary neoplastic syndrome; Neoplastic Syndromes, Hereditary; Hereditary Cancer Syndrome. Identifiers: Orphanet 140162, MedGen C0027672, MeSH D009386, MONDO:0015356.
BRCA2-related cancer predisposition. Identifiers: MedGen CN377758, MONDO:0700269.

Submissions (2):

All of Us Research Program, National Institutes of Health
Classification: Uncertain significance for BRCA2-related cancer predisposition. Last evaluated: 2024-05-09. Review status: criteria provided, single submitter. Criteria: ACMG Guidelines, 2015. Collection method: clinical testing. Allele origin: germline. Inheritance: Autosomal dominant inheritance. Observed: 1 variant allele, 1 heterozygote.
Comment: This study involves interpretation of variants in research participants for the purpose of population health screening. Participant phenotype was not available at the time of variant classification. Additional details can be found in publication PMID: 35346344, PMCID: PMC8962531

Ambry Genetics
Classification: Uncertain significance for Hereditary cancer-predisposing syndrome. Last evaluated: 2019-07-27. Review status: criteria provided, single submitter. Criteria: Ambry Variant Classification Scheme 2023. Collection method: clinical testing. Allele origin: germline.
Comment: The p.Q3398K variant (also known as c.10192C>A), located in coding exon 26 of the BRCA2 gene, results from a C to A substitution at nucleotide position 10192. The glutamine at codon 3398 is replaced by lysine, an amino acid with similar properties. This amino acid position is poorly conserved in available vertebrate species. In addition, this alteration is predicted to be tolerated by in silico analysis. Since supporting evidence is limited at this time, the clinical significance of this alteration remains unclear.